The following is an entry in ClinVar:

ClinVar aggregate classification (germline): Uncertain significance (1 of 4 stars; one submission).

Conditions:
Hereditary spastic paraplegia 6 (SPG6). Also called: SPASTIC PARAPLEGIA 6, AUTOSOMAL DOMINANT. Identifiers: Orphanet 100988, MedGen C1838192, MONDO:0010878, OMIM 600363.

gnomAD v4.1: 5 of 1,126,382 alleles (0.00044%); highest among the groups gnomAD compares: Non-Finnish European, 0.00054%; no homozygotes.

Submission:

Labcorp Genetics (formerly Invitae), Labcorp
Classification: Uncertain significance for Hereditary spastic paraplegia 6. Last evaluated: 2024-02-19. Review status: criteria provided, single submitter. Criteria: Invitae Variant Classification Sherloc (09022015). Collection method: clinical testing. Allele origin: germline.
Comment: This sequence change replaces alanine, which is neutral and non-polar, with threonine, which is neutral and polar, at codon 14 of the NIPA1 protein (p.Ala14Thr). This variant is not present in population databases (gnomAD no frequency). This variant has not been reported in the literature in individuals affected with NIPA1-related conditions. ClinVar contains an entry for this variant (Variation ID: 1407288). Experimental studies and prediction algorithms are not available or were not evaluated, and the functional significance of this variant is currently unknown. In summary, the available evidence is currently insufficient to determine the role of this variant in disease. Therefore, it has been classified as a Variant of Uncertain Significance.

NM_144599.5(NIPA1):c.40G>A (p.Ala14Thr)

Genes: NIPA1 (NIPA magnesium transporter 1; plus strand), LOC130056709 (ATAC-STARR-seq lymphoblastoid silent region 6259; plus strand). Cytogenetic location: 15q11.2.
Variant type: single nucleotide variant.
Coding change: c.40G>A on transcript NM_144599.5 (MANE Select); coding-DNA position 40, G replaced by A.
Protein change: p.Ala14Thr; replaces alanine 14 with threonine.
Molecular consequence: missense variant. On other transcripts: intron variant (1).
Genome position (GRCh38, 1-based): chr15:22,786,696, G>A. VCF-style: chr15-22786696-G-A. GRCh37 (hg19) VCF-style: chr15-23086372-C-T.
Other names: c.-48+448G>A (NM_001142275.1); short protein forms A14T.
Identifiers: ClinVar variation 1407288 (VCV001407288.8), dbSNP rs1346667835, ClinGen allele CA391298312.